The following is an entry in ClinVar:

ClinVar aggregate classification (germline): Pathogenic (1 of 4 stars; one submission).

Allele frequency attached by ClinVar (database versions not stated): gnomAD exomes below 0.00001; gnomAD 0.00001.
gnomAD v4.1: 9 of 1,613,122 alleles (0.00056%); highest among the groups gnomAD compares: Non-Finnish European, 0.00059%; no homozygotes.

Submission:

Labcorp Genetics (formerly Invitae), Labcorp
Classification: Pathogenic. Last evaluated: 2023-02-16. Review status: criteria provided, single submitter. Criteria: Invitae Variant Classification Sherloc (09022015). Collection method: clinical testing. Allele origin: germline.
Comment: For these reasons, this variant has been classified as Pathogenic. This variant has not been reported in the literature in individuals affected with FREM2-related conditions. This variant is not present in population databases (gnomAD no frequency). This sequence change creates a premature translational stop signal (p.Arg798*) in the FREM2 gene. It is expected to result in an absent or disrupted protein product. Loss-of-function variants in FREM2 are known to be pathogenic (PMID: 18203166, 26552811).

Literature cited by the submitters: PubMed 18203166; PubMed 26552811.

NM_207361.6(FREM2):c.2392C>T (p.Arg798Ter)

Gene: FREM2 (FRAS1 related extracellular matrix 2; plus strand). Cytogenetic location: 13q13.3.
Variant type: single nucleotide variant.
Coding change: c.2392C>T on transcript NM_207361.6 (MANE Select); coding-DNA position 2392, C replaced by T.
Protein change: p.Arg798Ter; replaces arginine 798 with a stop codon.
Molecular consequence: nonsense.
Genome position (GRCh38, 1-based): chr13:38,689,736, C>T. VCF-style: chr13-38689736-C-T. GRCh37 (hg19) VCF-style: chr13-39263873-C-T.
Other names: short protein forms R798*.
Identifiers: ClinVar variation 2908443 (VCV002908443.3), dbSNP rs922421314, ClinGen allele CA248289333.